The following is an entry in ClinVar:

ClinVar aggregate classification (germline): Uncertain significance (1 of 4 stars; one submission).

Conditions:
Hereditary cancer-predisposing syndrome. Also called: Neoplastic Syndromes, Hereditary; Tumor predisposition; Hereditary Cancer Syndrome; Hereditary neoplastic syndrome. Identifiers: Orphanet 140162, MedGen C0027672, MeSH D009386, MONDO:0015356.

Submission:

Ambry Genetics
Classification: Uncertain significance for Hereditary cancer-predisposing syndrome. Last evaluated: 2021-09-20. Review status: criteria provided, single submitter. Criteria: Ambry Variant Classification Scheme 2023. Collection method: clinical testing. Allele origin: germline.
Comment: The p.P1008H variant (also known as c.3023C>A), located in coding exon 10 of the PALB2 gene, results from a C to A substitution at nucleotide position 3023. The proline at codon 1008 is replaced by histidine, an amino acid with similar properties. This amino acid position is conserved. In addition, this alteration is predicted to be tolerated by in silico analysis. Since supporting evidence is limited at this time, the clinical significance of this alteration remains unclear.

NM_024675.4(PALB2):c.3023C>A (p.Pro1008His)

Gene: PALB2 (partner and localizer of BRCA2; minus strand). Cytogenetic location: 16p12.2.
Variant type: single nucleotide variant.
Coding change: c.3023C>A on transcript NM_024675.4 (MANE Select); coding-DNA position 3023, C replaced by A.
Protein change: p.Pro1008His; replaces proline 1008 with histidine.
Molecular consequence: missense variant.
Genome position (GRCh38, 1-based): chr16:23,621,452, G>T on the plus strand (C>A on the coding strand, the complement: PALB2 is on the minus strand). VCF-style: chr16-23621452-G-T. GRCh37 (hg19) VCF-style: chr16-23632773-G-T.
Other names: c.2963C>A, p.Pro988His (NM_001407296.1); c.2951C>A, p.Pro984His (NM_001407297.1); c.2861C>A, p.Pro954His (NM_001407298.1, NM_001407302.1); c.3023C>A, p.Pro1008His (NM_001407299.1, NM_001407301.1); c.2138C>A, p.Pro713His (NM_001407304.1, NM_001407305.1, NM_001407306.1 and 4 more transcripts); c.1976C>A, p.Pro659His (NM_001407307.1); c.1235C>A, p.Pro412His (NM_001407312.1, NM_001407313.1); c.557C>A, p.Pro186His (NM_001407314.1); short protein forms P412H, P659H, P984H, P954H, P988H, P1008H, P713H, P186H.
Identifiers: ClinVar variation 1798940 (VCV001798940.2), dbSNP rs1060502736, ClinGen allele CA395143111.